The following is an entry in ClinVar:

ClinVar aggregate classification (germline): Uncertain significance. Review status: criteria provided, multiple submitters, no conflicts (2 of 4 stars). 2 submissions from 2 submitters: Uncertain significance (2). Last evaluated 2024-06-05.

Conditions:
Epidermolysis bullosa simplex 5B, with muscular dystrophy (EBS5B). Also called: EPIDERMOLYSIS BULLOSA SIMPLEX AND LIMB-GIRDLE MUSCULAR DYSTROPHY; Epidermolysis bullosa simplex with muscular dystrophy. Identifiers: Orphanet 257, MedGen C2931072, MONDO:0009181, OMIM 226670.
Epidermolysis bullosa simplex with nail dystrophy (EBS5D). Identifiers: MedGen C4225309, MONDO:0014661, OMIM 616487.
Epidermolysis bullosa simplex 5C, with pyloric atresia (EBS5C). Also called: PLEC-Related Epidermolysis Bullosa with Pyloric Atresia; Epidermolysis bullosa simplex with pyloric atresia; PLEC1-Related Epidermolysis Bullosa with Pyloric Atresia. Identifiers: Orphanet 158684, MedGen C2677349, MONDO:0012807, OMIM 612138.
Autosomal recessive limb-girdle muscular dystrophy type 2Q (LGMDR17). Also called: MUSCULAR DYSTROPHY, LIMB-GIRDLE, AUTOSOMAL RECESSIVE 17. Identifiers: Orphanet 254361, MedGen C3150989, MONDO:0013390, OMIM 613723.
Epidermolysis bullosa simplex, Ogna type (EBS5A). Also called: EPIDERMOLYSIS BULLOSA SIMPLEX 5A, OGNA TYPE; Pidermolysis bullosa simplex 5A, Ogna type. Identifiers: Orphanet 79401, MedGen C0432317, MONDO:0007555, OMIM 131950.

Allele frequency attached by ClinVar (database versions not stated): TOPMed below 0.00001; gnomAD exomes 0.00001.
gnomAD v4.1: 5 of 1,611,888 alleles (0.00031%); highest among the groups gnomAD compares: Non-Finnish European, 0.00042%; no homozygotes.

Submissions (2):

Labcorp Genetics (formerly Invitae), Labcorp
Classification: Uncertain significance for Autosomal recessive limb-girdle muscular dystrophy type 2Q; Epidermolysis bullosa simplex, Ogna type; Epidermolysis bullosa simplex with nail dystrophy; Epidermolysis bullosa simplex 5C, with pyloric atresia; Epidermolysis bullosa simplex 5B, with muscular dystrophy. Last evaluated: 2024-06-05. Review status: criteria provided, single submitter. Criteria: Invitae Variant Classification Sherloc (09022015). Collection method: clinical testing. Allele origin: germline.
Comment: This sequence change replaces proline, which is neutral and non-polar, with serine, which is neutral and polar, at codon 2940 of the PLEC protein (p.Pro2940Ser). This variant is present in population databases (no rsID available, gnomAD 0.0009%). This variant has not been reported in the literature in individuals affected with PLEC-related conditions. ClinVar contains an entry for this variant (Variation ID: 2435038). An algorithm developed to predict the effect of missense changes on protein structure and function (PolyPhen-2) suggests that this variant is likely to be disruptive. In summary, the available evidence is currently insufficient to determine the role of this variant in disease. Therefore, it has been classified as a Variant of Uncertain Significance.

Revvity Omics, Revvity
Classification: Uncertain significance. Last evaluated: 2021-04-29. Review status: criteria provided, single submitter. Criteria: ACMG Guidelines, 2015. Collection method: clinical testing. Allele origin: germline.

NM_201384.3(PLEC):c.8737C>T (p.Pro2913Ser)

Gene: PLEC (plectin; minus strand). Cytogenetic location: 8q24.3.
Variant type: single nucleotide variant.
Coding change: c.8737C>T on transcript NM_201384.3 (MANE Select); coding-DNA position 8737, C replaced by T.
Protein change: p.Pro2913Ser; replaces proline 2913 with serine.
Molecular consequence: missense variant.
Genome position (GRCh38, 1-based): chr8:143,921,084, G>A on the plus strand (C>T on the coding strand, the complement: PLEC is on the minus strand). VCF-style: chr8-143921084-G-A. GRCh37 (hg19) VCF-style: chr8-144995252-G-A.
Other names: c.8818C>T, p.Pro2940Ser (NM_000445.5); c.5437C>T, p.Pro1813Ser (NM_001410941.1); c.8695C>T, p.Pro2899Ser (NM_201378.4); c.8671C>T, p.Pro2891Ser (NM_201379.3); c.9148C>T, p.Pro3050Ser (NM_201380.4); c.8641C>T, p.Pro2881Ser (NM_201381.3); c.8737C>T, p.Pro2913Ser (NM_201382.4); c.8749C>T, p.Pro2917Ser (NM_201383.3); short protein forms P1813S, P2881S, P2891S, P2899S, P2913S, P2917S, P2940S, P3050S.
Identifiers: ClinVar variation 2435038 (VCV002435038.5), dbSNP rs923698692, ClinGen allele CA187611775.